The following is an entry in ClinVar:

ClinVar aggregate classification (germline): Uncertain significance (1 of 4 stars; one submission).

Conditions:
Catecholaminergic polymorphic ventricular tachycardia 1. Also called: VENTRICULAR TACHYCARDIA, STRESS-INDUCED POLYMORPHIC 1; VENTRICULAR TACHYCARDIA, CATECHOLAMINERGIC POLYMORPHIC, 1, WITH OR WITHOUT ATRIAL DYSFUNCTION AND/OR DILATED CARDIOMYOPATHY; RYR2-Related Catecholaminergic Polymorphic Ventricular Tachycardia. Identifiers: Orphanet 3286, MedGen C1631597, MONDO:0011484, OMIM 604772.

gnomAD v4.1: 1 of 1,613,802 alleles (0.000062%); highest among the groups gnomAD compares: Non-Finnish European, 0.000085%; no homozygotes.

Submission:

Labcorp Genetics (formerly Invitae), Labcorp
Classification: Uncertain significance for Catecholaminergic polymorphic ventricular tachycardia 1. Last evaluated: 2025-01-16. Review status: criteria provided, single submitter. Criteria: Invitae Variant Classification Sherloc (09022015). Collection method: clinical testing. Allele origin: germline.
Comment: This sequence change replaces alanine, which is neutral and non-polar, with glutamic acid, which is acidic and polar, at codon 2345 of the RYR2 protein (p.Ala2345Glu). This variant is not present in population databases (gnomAD no frequency). This variant has not been reported in the literature in individuals affected with RYR2-related conditions. Invitae Evidence Modeling of protein sequence and biophysical properties (such as structural, functional, and spatial information, amino acid conservation, physicochemical variation, residue mobility, and thermodynamic stability) has been performed for this missense variant. However, the output from this modeling did not meet the statistical confidence thresholds required to predict the impact of this variant on RYR2 protein function. In summary, the available evidence is currently insufficient to determine the role of this variant in disease. Therefore, it has been classified as a Variant of Uncertain Significance.

NM_001035.3(RYR2):c.7034C>A (p.Ala2345Glu)

Gene: RYR2 (ryanodine receptor 2; plus strand). Cytogenetic location: 1q43.
Variant type: single nucleotide variant.
Coding change: c.7034C>A on transcript NM_001035.3 (MANE Select); coding-DNA position 7034, C replaced by A.
Protein change: p.Ala2345Glu; replaces alanine 2345 with glutamic acid.
Molecular consequence: missense variant.
Genome position (GRCh38, 1-based): chr1:237,639,120, C>A. VCF-style: chr1-237639120-C-A. GRCh37 (hg19) VCF-style: chr1-237802420-C-A.
Other names: short protein forms A2345E.
Identifiers: ClinVar variation 3711174 (VCV003711174.2).